The following is an entry in ClinVar:

NM_000071.3(CBS):c.1213AAG[1] (p.Lys406del)

Gene: CBS (cystathionine beta-synthase; minus strand). Cytogenetic location: 21q22.3.
Variant type: Microsatellite.
Coding change: c.1213AAG[1] on transcript NM_000071.3 (MANE Select); one copy of the 3-base unit AAG starting at c.1213; the reference has two copies in a row; one copy, 3 bases deleted.
Protein change: p.Lys406del; deletes lysine 406.
Molecular consequence: inframe deletion.
Genome position (GRCh38, 1-based): chr21:43,059,231-43,059,233, CTT deleted on the plus strand (AAG on the coding strand, the reverse complement: CBS is on the minus strand); deleting any 3 consecutive bases within chr21:43,059,231-43,059,238 gives the same sequence; the position shown is the placement nearest the transcript's 3' end. VCF-style (leftmost placement, unchanged base first): chr21-43059230-GCTT-G. GRCh37 (hg19) VCF-style: chr21-44479340-GCTT-G.
Other names: c.1213AAG[1], p.Lys406del (NM_001178008.3, NM_001178009.3, NM_001320298.2); c.898AAG[1], p.Lys301del (NM_001321072.1); c.1216_1218delAAG (NM_000071.2); short protein forms K406del, K301del.
Identifiers: ClinVar variation 420533 (VCV000420533.3), dbSNP rs780555741, ClinGen allele CA16621011.

ClinVar aggregate classification (germline): Uncertain significance. Review status: criteria provided, single submitter (1 of 4 stars). 2 submissions from 2 submitters: Uncertain significance (1). 1 of the submissions does not count toward it. Last evaluated 2016-02-18.

Conditions:
Classic homocystinuria. Also called: Homocystinuria due to Cystathionine Beta-Synthase Deficiency; Homocystinuria due to CBS deficiency; Cystathionine beta-synthase deficiency; CBS deficiency; HOMOCYSTINURIA WITH OR WITHOUT RESPONSE TO PYRIDOXINE. Identifiers: Orphanet 394, MedGen C0751202, MONDO:0009352, OMIM 236200.

Submissions (2):

GeneDx
Classification: Uncertain significance. Last evaluated: 2016-02-18. Review status: criteria provided, single submitter. Criteria: GeneDx Variant Classification (06012015). Collection method: clinical testing. Allele origin: germline. Affected: yes.
Comment: The c.1216_1218delAAG variant in the CBS gene results in an in-frame deletion of a Lysine residue at position 406. The c.1216_1218delAAG variant has not been published as a pathogenic variant, nor has it been reported as a benign variant to our knowledge. It was not observed in approximately 6,500 individuals of European and African American ancestry in the NHLBI Exome Sequencing Project, indicating it is not a common benign variant in these populations. Other in-frame deletions in the CBS gene have been reported in HGMD in association with homocystinuria (Stenson et al., 2014).

Natera, Inc.
Classification: Uncertain significance for Homocystinuria due to cystathionine beta-synthase deficiency. Last evaluated: 2020-09-16. Review status: no assertion criteria provided. Collection method: clinical testing. Allele origin: germline. Not counted in ClinVar's aggregate classification.